The following is an entry in ClinVar:

ClinVar aggregate classification (germline): Uncertain significance (1 of 4 stars; one submission).

Allele frequency attached by ClinVar (database versions not stated): gnomAD 0.00001.
gnomAD v4.1: 2 of 1,605,482 alleles (0.00012%); highest among the groups gnomAD compares: Non-Finnish European, 0.00017%; no homozygotes.

Submission:

Labcorp Genetics (formerly Invitae), Labcorp
Classification: Uncertain significance. Last evaluated: 2023-07-21. Review status: criteria provided, single submitter. Criteria: Invitae Variant Classification Sherloc (09022015). Collection method: clinical testing. Allele origin: germline.
Comment: In summary, the available evidence is currently insufficient to determine the role of this variant in disease. Therefore, it has been classified as a Variant of Uncertain Significance. An algorithm developed to predict the effect of missense changes on protein structure and function (PolyPhen-2) suggests that this variant is likely to be tolerated. ClinVar contains an entry for this variant (Variation ID: 1386726). This variant has not been reported in the literature in individuals affected with SCLT1-related conditions. This variant is present in population databases (no rsID available, gnomAD 0.007%). This sequence change replaces lysine, which is basic and polar, with glutamic acid, which is acidic and polar, at codon 539 of the SCLT1 protein (p.Lys539Glu).

NM_144643.4(SCLT1):c.1615A>G (p.Lys539Glu)

Gene: SCLT1 (sodium channel and clathrin linker 1; minus strand). Cytogenetic location: 4q28.2.
Variant type: single nucleotide variant.
Coding change: c.1615A>G on transcript NM_144643.4 (MANE Select); coding-DNA position 1615, A replaced by G.
Protein change: p.Lys539Glu; replaces lysine 539 with glutamic acid.
Molecular consequence: missense variant.
Genome position (GRCh38, 1-based): chr4:128,943,013, T>C on the plus strand (A>G on the coding strand, the complement: SCLT1 is on the minus strand). VCF-style: chr4-128943013-T-C. GRCh37 (hg19) VCF-style: chr4-129864168-T-C.
Other names: short protein forms K539E.
Identifiers: ClinVar variation 1386726 (VCV001386726.6), dbSNP rs774139322, ClinGen allele CA358185976.
Genomic context (GRCh38, chr4:128,943,013, plus strand): 5'-TTGATTTTCATAAGTACACATTTAACTCTAGTCTTGAAAATACCTTTACTTTGGCTTTTT[T>C]TTGAGCCTCCAGGGCAATCTTCCTTAAACTCTCAGTCTCTTTCCGTAACTGTTTATTTTC-3'
Protein context (NP_653244.2, residues 529-549): SLRKIALEAQ[Lys539Glu]KAKVKISTME